The following is an entry in ClinVar:

NM_001386795.1(DTNA):c.2157C>T (p.Gly719=)

Gene: DTNA (dystrobrevin alpha; plus strand). Cytogenetic location: 18q12.1.
Variant type: single nucleotide variant.
Coding change: c.2157C>T on transcript NM_001386795.1 (MANE Select); coding-DNA position 2157, C replaced by T.
Protein change: p.Gly719=; no amino-acid change (glycine 719 retained).
Molecular consequence: synonymous variant.
Genome position (GRCh38, 1-based): chr18:34,879,714, C>T. VCF-style: chr18-34879714-C-T. GRCh37 (hg19) VCF-style: chr18-32459678-C-T.
Other names: c.1896C>T, p.Gly632= (NM_001198938.2, NM_001198940.2, NM_001386753.1 and 5 more transcripts); c.1917C>T, p.Gly639= (NM_001198939.2); c.1203C>T, p.Gly401= (NM_001198942.1); c.1146C>T, p.Gly382= (NM_001198943.1); c.1032C>T, p.Gly344= (NM_001198944.1); c.1986C>T, p.Gly662= (NM_001386754.1, NM_001386755.1, NM_001386756.1 and 3 more transcripts); c.1983C>T, p.Gly661= (NM_001386760.1); c.1905C>T, p.Gly635= (NM_001386761.1, NM_032975.4); and 5 more.
Identifiers: ClinVar variation 385825 (VCV000385825.8), dbSNP rs754959223, ClinGen allele CA8935942.

ClinVar aggregate classification (germline): Likely benign. Review status: criteria provided, multiple submitters, no conflicts (2 of 4 stars). 2 submissions from 2 submitters: Likely benign (2). Last evaluated 2025-06-24.

Conditions:
Left ventricular noncompaction 1 (LVNC1). Also called: LEFT VENTRICULAR NONCOMPACTION 1 WITH OR WITHOUT CONGENITAL HEART DEFECTS. Identifiers: Orphanet 54260, MedGen C1858725, MONDO:0011403, OMIM 604169.

Allele frequency attached by ClinVar (database versions not stated): ExAC 0.00002; gnomAD exomes 0.00002; TOPMed 0.00002; gnomAD 0.00003 and 0.00004.
gnomAD v4.1: 34 of 1,613,880 alleles (0.0021%); highest among the groups gnomAD compares: East Asian, 0.0089%; no homozygotes.

Submissions (2):

Labcorp Genetics (formerly Invitae), Labcorp
Classification: Likely benign for Left ventricular noncompaction 1. Last evaluated: 2025-06-24. Review status: criteria provided, single submitter. Criteria: Invitae Variant Classification Sherloc (09022015). Collection method: clinical testing. Allele origin: germline.

GeneDx
Classification: Likely benign. Last evaluated: 2016-04-26. Review status: criteria provided, single submitter. Criteria: GeneDx Variant Classification (06012015). Collection method: clinical testing. Allele origin: germline. Affected: yes.
Comment: This variant is considered likely benign or benign based on one or more of the following criteria: it is a conservative change, it occurs at a poorly conserved position in the protein, it is predicted to be benign by multiple in silico algorithms, and/or has population frequency not consistent with disease.